The following is an entry in ClinVar:

ClinVar aggregate classification (germline): Pathogenic (1 of 4 stars; one submission).

Submission:

CeGaT Center for Human Genetics Tuebingen
Classification: Pathogenic. Last evaluated: 2024-09-01. Review status: criteria provided, single submitter. Criteria: CeGaT Center For Human Genetics Tuebingen Variant Classification Criteria Version 2. Collection method: clinical testing. Allele origin: germline. Affected: yes. Observed: 1 variant allele.
Comment: WDR26: PVS1, PM2, PS2:Moderate

NM_001379403.1(WDR26):c.1945-2A>G

Genes: MIR4742 (microRNA 4742; minus strand), WDR26 (WD repeat domain 26; minus strand). Cytogenetic location: 1q42.11.
Variant type: single nucleotide variant.
Coding change: c.1945-2A>G on transcript NM_001379403.1 (MANE Select); the canonical splice acceptor site of the intron before coding-DNA position 1945, A replaced by G.
Molecular consequence: splice acceptor variant. On other transcripts: non-coding transcript variant (1).
Genome position (GRCh38, 1-based): chr1:224,398,228, T>C on the plus strand (A>G on the coding strand, the complement: WDR26 is on the minus strand). VCF-style: chr1-224398228-T-C. GRCh37 (hg19) VCF-style: chr1-224585930-T-C.
Other names: c.1597-2A>G (NM_001115113.3); c.1645-2A>G (NM_025160.7).
Identifiers: ClinVar variation 3389651 (VCV003389651.14).